The following is an entry in ClinVar:

NM_024675.4(PALB2):c.2136G>A (p.Ala712=)

Gene: PALB2 (partner and localizer of BRCA2; minus strand). Cytogenetic location: 16p12.2.
Variant type: single nucleotide variant.
Coding change: c.2136G>A on transcript NM_024675.4 (MANE Select); coding-DNA position 2136, G replaced by A.
Protein change: p.Ala712=; no amino-acid change (alanine 712 retained).
Molecular consequence: synonymous variant.
Genome position (GRCh38, 1-based): chr16:23,630,018, C>T on the plus strand (G>A on the coding strand, the complement: PALB2 is on the minus strand). VCF-style: chr16-23630018-C-T. GRCh37 (hg19) VCF-style: chr16-23641339-C-T.
Identifiers: ClinVar variation 628834 (VCV000628834.19), dbSNP rs905951607, ClinGen allele CA494461159.

ClinVar aggregate classification (germline): Benign/Likely benign. Review status: criteria provided, multiple submitters, no conflicts (2 of 4 stars). 6 submissions from 6 submitters: Benign (1); Likely benign (4). 1 of the submissions does not count toward it. Last evaluated 2025-09-22.

Conditions:
Hereditary cancer-predisposing syndrome. Also called: Neoplastic Syndromes, Hereditary; Tumor predisposition; Hereditary neoplastic syndrome; Hereditary Cancer Syndrome. Identifiers: Orphanet 140162, MedGen C0027672, MeSH D009386, MONDO:0015356.
Familial cancer of breast. Also called: BREAST CANCER, FAMILIAL; Hereditary breast cancer; hereditary breast carcinoma. Identifiers: Orphanet 227535, MedGen C0346153, MONDO:0016419, OMIM 114480. Disease mechanism: loss of function.

Allele frequency attached by ClinVar (database versions not stated): gnomAD exomes below 0.00001; TOPMed 0.00001; gnomAD 0.00003.
gnomAD v4.1: 4 of 1,613,938 alleles (0.00025%); highest among the groups gnomAD compares: Non-Finnish European, 0.00034%; no homozygotes.

Submissions (6):

Labcorp Genetics (formerly Invitae), Labcorp
Classification: Likely benign for Familial cancer of breast. Last evaluated: 2025-09-22. Review status: criteria provided, single submitter. Criteria: Invitae Variant Classification Sherloc (09022015). Collection method: clinical testing. Allele origin: germline.

Myriad Genetics, Inc.
Classification: Benign for Familial cancer of breast. Last evaluated: 2025-01-15. Review status: criteria provided, single submitter. Criteria: Myriad Autosomal Dominant, Autosomal Recessive and X-Linked Classification Criteria (2023). Collection method: clinical testing. Allele origin: unknown.
Comment: This variant is considered benign. This variant is a silent/synonymous amino acid change and it is not expected to impact splicing.

GeneDx
Classification: Likely benign. Last evaluated: 2021-03-10. Review status: criteria provided, single submitter. Criteria: GeneDx Variant Classification Process June 2021. Collection method: clinical testing. Allele origin: germline. Affected: yes.
Comment: See Variant Classification Assertion Criteria.

Ambry Genetics
Classification: Likely benign for Hereditary cancer-predisposing syndrome. Last evaluated: 2018-09-26. Review status: criteria provided, single submitter. Criteria: Ambry Variant Classification Scheme 2023. Collection method: clinical testing. Allele origin: germline.

Color Diagnostics, LLC DBA Color Health
Classification: Likely benign for Hereditary cancer-predisposing syndrome. Last evaluated: 2018-07-09. Review status: criteria provided, single submitter. Criteria: ACMG Guidelines, 2015. Collection method: clinical testing. Allele origin: germline.

Leiden Open Variation Database
Classification: Uncertain significance. Last evaluated: 2018-08-25. Review status: no assertion criteria provided. Collection method: curation. Allele origin: germline. Affected: yes. Not counted in ClinVar's aggregate classification.
Comment: Curators: Marc Tischkowitz, Arleen D. Auerbach. Submitter to LOVD: Yukihide Momozawa.

Literature cited by the submitters: PubMed 30287823 (cited by Leiden Open Variation Database).